The following is an entry in ClinVar:

NM_000018.4(ACADVL):c.644G>T (p.Cys215Phe)

Gene: ACADVL (acyl-CoA dehydrogenase very long chain; plus strand). Cytogenetic location: 17p13.1.
Variant type: single nucleotide variant.
Coding change: c.644G>T on transcript NM_000018.4 (MANE Select); coding-DNA position 644, G replaced by T.
Protein change: p.Cys215Phe; replaces cysteine 215 with phenylalanine.
Molecular consequence: missense variant.
Genome position (GRCh38, 1-based): chr17:7,221,973, G>T. VCF-style: chr17-7221973-G-T. GRCh37 (hg19) VCF-style: chr17-7125292-G-T.
Other names: c.578G>T, p.Cys193Phe (NM_001033859.3); c.713G>T, p.Cys238Phe (NM_001270447.2); c.416G>T, p.Cys139Phe (NM_001270448.2); short protein forms C215F, C139F, C238F, C193F.
Identifiers: ClinVar variation 2119415 (VCV002119415.4), dbSNP rs761405004, ClinGen allele CA397723379.

ClinVar aggregate classification (germline): Uncertain significance (1 of 4 stars; one submission).

Conditions:
Very long chain acyl-CoA dehydrogenase deficiency (ACADVLD). Also called: VLCAD Deficiency; Very Long-Chain Acyl-Coenzyme A Dehydrogenase Deficiency. Identifiers: Orphanet 26793, MedGen C3887523, MONDO:0008723, OMIM 201475.

Submission:

Labcorp Genetics (formerly Invitae), Labcorp
Classification: Uncertain significance for Very long chain acyl-CoA dehydrogenase deficiency. Last evaluated: 2022-03-29. Review status: criteria provided, single submitter. Criteria: Invitae Variant Classification Sherloc (09022015). Collection method: clinical testing. Allele origin: germline.
Comment: This sequence change replaces cysteine, which is neutral and slightly polar, with phenylalanine, which is neutral and non-polar, at codon 215 of the ACADVL protein (p.Cys215Phe). In summary, the available evidence is currently insufficient to determine the role of this variant in disease. Therefore, it has been classified as a Variant of Uncertain Significance. Advanced modeling of protein sequence and biophysical properties (such as structural, functional, and spatial information, amino acid conservation, physicochemical variation, residue mobility, and thermodynamic stability) performed at Invitae indicates that this missense variant is expected to disrupt ACADVL protein function. This variant has not been reported in the literature in individuals affected with ACADVL-related conditions. This variant is not present in population databases (gnomAD no frequency).